The following is an entry in ClinVar:

NM_001458.5(FLNC):c.7385-5C>T

Genes: FLNC-AS1 (FLNC antisense RNA 1; minus strand), FLNC (filamin C; plus strand). Cytogenetic location: 7q32.1.
Variant type: single nucleotide variant.
Coding change: c.7385-5C>T on transcript NM_001458.5 (MANE Select); 5 bases into the intron before coding-DNA position 7385, C replaced by T.
Molecular consequence: intron variant.
Genome position (GRCh38, 1-based): chr7:128,856,740, C>T. VCF-style: chr7-128856740-C-T. GRCh37 (hg19) VCF-style: chr7-128496794-C-T.
Other names: c.7286-5C>T (NM_001127487.2).
Identifiers: ClinVar variation 472170 (VCV000472170.15), dbSNP rs367793265, ClinGen allele CA4476264.

ClinVar aggregate classification (germline): Benign/Likely benign. Review status: criteria provided, multiple submitters, no conflicts (2 of 4 stars). 4 submissions from 4 submitters: Benign (3); Likely benign (1). Last evaluated 2026-01-27.

Conditions:
Myofibrillar myopathy 5. Also called: FILAMINOPATHY, AUTOSOMAL DOMINANT; Filaminopathy (type). Identifiers: Orphanet 171445, MedGen C1836050, MONDO:0012289, OMIM 609524.
Distal myopathy with posterior leg and anterior hand involvement. Also called: WILLIAMS DISTAL MYOPATHY. Identifiers: Orphanet 63273, MedGen C3279722, MONDO:0013550, OMIM 614065.
Hypertrophic cardiomyopathy 26. Also called: Cardiomyopathy, familial hypertrophic, 26. Identifiers: Orphanet 75249, MedGen C4310749, MONDO:0014883, OMIM 617047.
Cardiovascular phenotype. Identifiers: MedGen CN230736.

Allele frequency attached by ClinVar (database versions not stated): gnomAD 0.00001 and 0.00055; ESP Exome Variant Server 0.00008; TOPMed 0.00014; gnomAD exomes 0.00105 and 0.00218; ExAC 0.00250; 1000 Genomes Project 30x 0.00297; 1000 Genomes Project 0.00359.
gnomAD v4.1: 1,635 of 1,614,208 alleles (0.1%); highest among the groups gnomAD compares: South Asian, 1.7%; 27 homozygotes.

Submissions (4):

Labcorp Genetics (formerly Invitae), Labcorp
Classification: Benign for Distal myopathy with posterior leg and anterior hand involvement; Myofibrillar myopathy 5; Hypertrophic cardiomyopathy 26. Last evaluated: 2026-01-27. Review status: criteria provided, single submitter. Criteria: Invitae Variant Classification Sherloc (09022015). Collection method: clinical testing. Allele origin: germline.

Blueprint Genetics
Classification: Likely benign. Last evaluated: 2024-11-07. Review status: criteria provided, single submitter. Criteria: ACMG Guidelines, 2015. Collection method: clinical testing. Allele origin: germline.

Ambry Genetics
Classification: Benign for Cardiovascular phenotype. Last evaluated: 2020-02-27. Review status: criteria provided, single submitter. Criteria: Ambry Variant Classification Scheme 2023. Collection method: clinical testing. Allele origin: germline.

GeneDx
Classification: Benign. Last evaluated: 2018-01-02. Review status: criteria provided, single submitter. Criteria: GeneDx Variant Classification (06012015). Collection method: clinical testing. Allele origin: germline. Affected: yes.
Comment: This variant is considered likely benign or benign based on one or more of the following criteria: it is a conservative change, it occurs at a poorly conserved position in the protein, it is predicted to be benign by multiple in silico algorithms, and/or has population frequency not consistent with disease.